The following is an entry in ClinVar:

ClinVar aggregate classification (germline): Uncertain significance (1 of 4 stars; one submission).

Conditions:
Familial adenomatous polyposis 1 (FAP1). Also called: POLYPOSIS, ADENOMATOUS INTESTINAL; FAMILIAL ADENOMATOUS POLYPOSIS 1, ATTENUATED. Identifiers: MedGen C2713442, MONDO:0021056, OMIM 175100. Disease mechanism: loss of function.

Submission:

Labcorp Genetics (formerly Invitae), Labcorp
Classification: Uncertain significance for Familial adenomatous polyposis 1. Last evaluated: 2024-02-12. Review status: criteria provided, single submitter. Criteria: Invitae Variant Classification Sherloc (09022015). Collection method: clinical testing. Allele origin: germline.
Comment: This sequence change replaces alanine, which is neutral and non-polar, with threonine, which is neutral and polar, at codon 1731 of the APC protein (p.Ala1731Thr). This variant is not present in population databases (gnomAD no frequency). This variant has not been reported in the literature in individuals affected with APC-related conditions. ClinVar contains an entry for this variant (Variation ID: 641374). Advanced modeling of protein sequence and biophysical properties (such as structural, functional, and spatial information, amino acid conservation, physicochemical variation, residue mobility, and thermodynamic stability) performed at Invitae indicates that this missense variant is not expected to disrupt APC protein function with a negative predictive value of 95%. In summary, the available evidence is currently insufficient to determine the role of this variant in disease. Therefore, it has been classified as a Variant of Uncertain Significance.

NM_000038.6(APC):c.5191G>A (p.Ala1731Thr)

Gene: APC (APC regulator of Wnt signaling pathway; plus strand). Cytogenetic location: 5q22.2.
Variant type: single nucleotide variant.
Coding change: c.5191G>A on transcript NM_000038.6 (MANE Select); coding-DNA position 5191, G replaced by A.
Protein change: p.Ala1731Thr; replaces alanine 1731 with threonine.
Molecular consequence: missense variant.
Genome position (GRCh38, 1-based): chr5:112,840,785, G>A. VCF-style: chr5-112840785-G-A. GRCh37 (hg19) VCF-style: chr5-112176482-G-A.
Other names: c.5191G>A, p.Ala1731Thr (NM_001127510.3, NM_001354895.2); c.5137G>A, p.Ala1713Thr (NM_001127511.3); c.5245G>A, p.Ala1749Thr (NM_001354896.2); c.5221G>A, p.Ala1741Thr (NM_001354897.2); c.5116G>A, p.Ala1706Thr (NM_001354898.2); c.5107G>A, p.Ala1703Thr (NM_001354899.2); c.5068G>A, p.Ala1690Thr (NM_001354900.2); c.5014G>A, p.Ala1672Thr (NM_001354901.2); and 5 more; short protein forms A1448T, A1605T, A1630T, A1640T, A1731T, A1741T, A1672T, A1713T.
Identifiers: ClinVar variation 641374 (VCV000641374.12), dbSNP rs1580657255, ClinGen allele CA16032676.